The following is an entry in ClinVar:

ClinVar aggregate classification (germline): Uncertain significance. Review status: criteria provided, multiple submitters, no conflicts (2 of 4 stars). 2 submissions from 2 submitters: Uncertain significance (2). Last evaluated 2023-11-24.

Conditions:
Inborn genetic diseases. Identifiers: MedGen C0950123, MeSH D030342.

Allele frequency attached by ClinVar (database versions not stated): gnomAD 0.00001; gnomAD exomes 0.00001; TOPMed 0.00003; ExAC 0.00005.
gnomAD v4.1: 21 of 1,613,884 alleles (0.0013%); highest among the groups gnomAD compares: Admixed American, 0.03%; no homozygotes.

Submissions (2):

Labcorp Genetics (formerly Invitae), Labcorp
Classification: Uncertain significance. Last evaluated: 2023-11-24. Review status: criteria provided, single submitter. Criteria: Invitae Variant Classification Sherloc (09022015). Collection method: clinical testing. Allele origin: germline.
Comment: This sequence change replaces aspartic acid, which is acidic and polar, with glutamic acid, which is acidic and polar, at codon 145 of the HK1 protein (p.Asp145Glu). This variant is present in population databases (rs758503562, gnomAD 0.04%). This variant has not been reported in the literature in individuals affected with HK1-related conditions. ClinVar contains an entry for this variant (Variation ID: 1986008). Advanced modeling of protein sequence and biophysical properties (such as structural, functional, and spatial information, amino acid conservation, physicochemical variation, residue mobility, and thermodynamic stability) performed at Invitae indicates that this missense variant is not expected to disrupt HK1 protein function with a negative predictive value of 80%. In summary, the available evidence is currently insufficient to determine the role of this variant in disease. Therefore, it has been classified as a Variant of Uncertain Significance.

Ambry Genetics
Classification: Uncertain significance for Inborn genetic diseases. Last evaluated: 2022-04-29. Review status: criteria provided, single submitter. Criteria: Ambry Variant Classification Scheme 2023. Collection method: clinical testing. Allele origin: germline.
Comment: Unlikely to be causative of HK1-related neurodevelopmental disorder (AD) Based on insufficient or conflicting evidence, the clinical significance of this alteration remains unclear.

NM_000188.3(HK1):c.435C>G (p.Asp145Glu)

Gene: HK1 (hexokinase 1; plus strand). Cytogenetic location: 10q22.1.
Variant type: single nucleotide variant.
Coding change: c.435C>G on transcript NM_000188.3 (MANE Select); coding-DNA position 435, C replaced by G.
Protein change: p.Asp145Glu; replaces aspartic acid 145 with glutamic acid.
Molecular consequence: missense variant.
Genome position (GRCh38, 1-based): chr10:69,364,842, C>G. VCF-style: chr10-69364842-C-G. GRCh37 (hg19) VCF-style: chr10-71124598-C-G.
Other names: c.447C>G, p.Asp149Glu (NM_001322364.2, NM_001358263.1, NM_033497.3 and 1 more transcripts); c.540C>G, p.Asp180Glu (NM_001322365.2); c.351C>G, p.Asp117Glu (NM_001322366.1); c.435C>G, p.Asp145Glu (NM_001322367.1); c.432C>G, p.Asp144Glu (NM_033496.3); c.399C>G, p.Asp133Glu (NM_033500.2); short protein forms D133E, D180E, D144E, D149E, D145E, D117E.
Identifiers: ClinVar variation 1986008 (VCV001986008.5), dbSNP rs758503562, ClinGen allele CA5532325.